The following is an entry in ClinVar:

ClinVar aggregate classification (germline): Conflicting classifications of pathogenicity. Review status: criteria provided, conflicting classifications (1 of 4 stars). 9 submissions from 9 submitters: Uncertain significance (4); Benign (1); Likely benign (2). 2 of the submissions do not count toward it. Last evaluated 2026-01-15.

Conditions:
POU1F1-related disorder. Also called: POU1F1-related condition.
Pituitary hormone deficiency, combined, 1 (CPHD1). Also called: Pituitary hormone deficiency, combined or isolated, 1. Identifiers: MedGen C2751608, MONDO:0024464, OMIM 613038.

Allele frequency attached by ClinVar (database versions not stated): 1000 Genomes Project 0.00020; 1000 Genomes Project 30x 0.00047; ESP Exome Variant Server 0.00115; TOPMed 0.00150; gnomAD 0.00183; ExAC 0.00185; gnomAD exomes 0.00197.

Submissions (9):

Labcorp Genetics (formerly Invitae), Labcorp
Classification: Likely benign. Last evaluated: 2026-01-15. Review status: criteria provided, single submitter. Criteria: Invitae Variant Classification Sherloc (09022015). Collection method: clinical testing. Allele origin: germline.

Blueprint Genetics
Classification: Likely benign. Last evaluated: 2024-11-15. Review status: criteria provided, single submitter. Criteria: ACMG Guidelines, 2015. Collection method: clinical testing. Allele origin: germline.

Revvity Omics, Revvity
Classification: Uncertain significance for Pituitary hormone deficiency, combined, 1. Last evaluated: 2024-10-09. Review status: criteria provided, single submitter. Criteria: ACMG Guidelines, 2015. Collection method: clinical testing. Allele origin: germline.

Women's Health and Genetics/Laboratory Corporation of America, LabCorp
Classification: Benign. Last evaluated: 2023-06-20. Review status: criteria provided, single submitter. Criteria: LabCorp Variant Classification Summary - May 2015. Collection method: clinical testing. Allele origin: germline.
Comment: Variant summary: POU1F1 c.370A>G (p.Met124Val) results in a conservative amino acid change located in the POU-specific domain (IPR000327) of the encoded protein sequence. Four of five in-silico tools predict a benign effect of the variant on protein function. The variant allele was found at a frequency of 0.002 in 282674 control chromosomes (gnomAD), predominantly at a frequency of 0.0027 within the Non-Finnish European subpopulation in the gnomAD database, including 1 homozygote. The observed variant frequency within Non-Finnish European control individuals in the gnomAD database is approximately 115 fold of the estimated maximal expected allele frequency for a pathogenic variant in POU1F1 causing Combined Pituitary Hormone Deficiency (2.3e-05), strongly suggesting that the variant is a benign polymorphism found primarily in populations of Non-Finnish European origin. c.370A>G has been reported co-occuring with a VUS BCORL1 variant (ClinVar:386901) in the literature in one individual with Septo-optic dysplasia (de Morsier syndrome), which includes hypopituitarism (Zhang_2019). This report does not provide unequivocal conclusions about association of the variant with Combined Pituitary Hormone Deficiency. To our knowledge, no experimental evidence demonstrating an impact on protein function has been reported. The following publication has been ascertained in the context of this evaluation (PMID: 31755341). Six ClinVar submitters have assessed the variant since 2014: five classified the variant as uncertain significance and one as likely benign. Based on the evidence outlined above, the variant was classified as benign.

GeneDx
Classification: Uncertain significance. Last evaluated: 2020-08-20. Review status: criteria provided, single submitter. Criteria: GeneDx Variant Classification Process June 2021. Collection method: clinical testing. Allele origin: germline. Affected: yes.
Comment: Identified in a patient in published literature (Zhang et al., 2019) with septo-optic dysplasia and familial exudative vitreoretinopathy who also had a variant in another gene that might contribute to the phenotype; In silico analysis supports that this missense variant does not alter protein structure/function; This variant is associated with the following publications: (PMID: 31755341)

Fulgent Genetics
Classification: Uncertain significance for Pituitary hormone deficiency, combined, 1. Last evaluated: 2018-10-31. Review status: criteria provided, single submitter. Criteria: ACMG Guidelines, 2015. Collection method: clinical testing. Allele origin: unknown.

Eurofins Ntd Llc (ga)
Classification: Uncertain significance. Last evaluated: 2018-06-25. Review status: criteria provided, single submitter. Criteria: EGL ClinVar v180209 classification definitions. Collection method: clinical testing. Allele origin: germline. Observed: 2 variant alleles, 2 heterozygotes.

PreventionGenetics, part of Exact Sciences
Classification: Likely benign for POU1F1-related condition. Last evaluated: 2019-07-23. Review status: no assertion criteria provided. Collection method: clinical testing. Allele origin: germline. Not counted in ClinVar's aggregate classification.
Comment: This variant is classified as likely benign based on ACMG/AMP sequence variant interpretation guidelines (Richards et al. 2015 PMID: 25741868, with internal and published modifications).

Clinical Molecular Genetics Laboratory, Johns Hopkins All Children's Hospital
Classification: Uncertain significance. Last evaluated: 2009-02-09. Review status: no assertion criteria provided. Collection method: clinical testing. Allele origin: germline. Affected: yes. Not counted in ClinVar's aggregate classification.

Literature cited by the submitters: PubMed 31755341 (cited by Women's Health and Genetics/Laboratory Corporation of America, LabCorp).

NM_000306.4(POU1F1):c.370A>G (p.Met124Val)

Gene: POU1F1 (POU class 1 homeobox 1; minus strand). Cytogenetic location: 3p11.2.
Variant type: single nucleotide variant.
Coding change: c.370A>G on transcript NM_000306.4 (MANE Select); coding-DNA position 370, A replaced by G.
Protein change: p.Met124Val; replaces methionine 124 with valine.
Molecular consequence: missense variant.
Genome position (GRCh38, 1-based): chr3:87,264,357, T>C on the plus strand (A>G on the coding strand, the complement: POU1F1 is on the minus strand). VCF-style: chr3-87264357-T-C. GRCh37 (hg19) VCF-style: chr3-87313507-T-C.
Other names: c.448A>G, p.Met150Val (NM_001122757.3); short protein forms M124V, M150V.
Identifiers: ClinVar variation 346844 (VCV000346844.26), dbSNP rs143373007, ClinGen allele CA2501222.